The following is an entry in ClinVar:

NM_024753.5(TTC21B):c.3623T>G (p.Ile1208Ser)

Gene: TTC21B (tetratricopeptide repeat domain 21B; minus strand). Cytogenetic location: 2q24.3.
Variant type: single nucleotide variant.
Coding change: c.3623T>G on transcript NM_024753.5 (MANE Select); coding-DNA position 3623, T replaced by G.
Protein change: p.Ile1208Ser; replaces isoleucine 1208 with serine.
Molecular consequence: missense variant.
Genome position (GRCh38, 1-based): chr2:165,883,855, A>C on the plus strand (T>G on the coding strand, the complement: TTC21B is on the minus strand). VCF-style: chr2-165883855-A-C. GRCh37 (hg19) VCF-style: chr2-166740365-A-C.
Other names: short protein forms I1208S.
Identifiers: ClinVar variation 420152 (VCV000420152.18), dbSNP rs189519760, ClinGen allele CA1941463.

ClinVar aggregate classification (germline): Uncertain significance. Review status: criteria provided, multiple submitters, no conflicts (2 of 4 stars). 6 submissions from 6 submitters: Uncertain significance (6). Last evaluated 2026-06-11.

Conditions:
TTC21B-related disorder. Also called: TTC21B-related condition; TTC21B-related disorders.
Nephronophthisis. Also called: Juvenile Nephronophthisis. Identifiers: Orphanet 655, MedGen C0687120, MONDO:0019005, HP:0000090.
Jeune thoracic dystrophy. Also called: Short-rib thoracic dysplasia; Jeune syndrome; Infantile thoracic dystrophy; Thoracic pelvic phalangeal dystrophy; Jeune's syndrome; Chondroectodermal dysplasia-like syndrome. Identifiers: Orphanet 474, MedGen C0265275, MONDO:0018770.
Nephronophthisis 12 (NPHP12). Identifiers: Orphanet 655, MedGen C3151186, MONDO:0013442, OMIM 613820.
Asphyxiating thoracic dystrophy 4 (SRTD4). Also called: SHORT-RIB THORACIC DYSPLASIA 4 WITH OR WITHOUT POLYDACTYLY; SHORT-RIB THORACIC DYSPLASIA 4. Identifiers: Orphanet 474, MedGen C3151185, MONDO:0013441, OMIM 613819.

Allele frequency attached by ClinVar (database versions not stated): gnomAD 0.00002 and 0.00003; TOPMed 0.00005; gnomAD exomes 0.00007 and 0.00018; ExAC 0.00022; 1000 Genomes Project 0.00040; 1000 Genomes Project 30x 0.00047.
gnomAD v4.1: 108 of 1,614,068 alleles (0.0067%); highest among the groups gnomAD compares: Middle Eastern, 0.099%; no homozygotes.

Submissions (6):

PreventionGenetics, part of Exact Sciences
Classification: Uncertain significance for TTC21B-related condition. Last evaluated: 2026-06-11. Review status: criteria provided, single submitter. Criteria: ACMG Guidelines, 2015. Collection method: clinical testing. Allele origin: germline.
Comment: The TTC21B c.3623T>G variant is predicted to result in the amino acid substitution p.Ile1208Ser. This variant was reported in an individual with TTC21B-related features (Suppl. Table 3, Davis et al. 2011. PubMed ID: 21258341). In vitro functional studies suggest that the p.Ile1208Ser variant could result in loss of function (Davis et al. 2011. PubMed ID: 21258341). This variant is reported in 0.076% of alleles in individuals of Latino descent in gnomAD. At this time, the clinical significance of this variant is uncertain due to the absence of conclusive functional and genetic evidence.

Blueprint Genetics
Classification: Uncertain significance. Last evaluated: 2024-06-26. Review status: criteria provided, single submitter. Criteria: ACMG Guidelines, 2015. Collection method: clinical testing. Allele origin: germline.

Fulgent Genetics
Classification: Uncertain significance for Asphyxiating thoracic dystrophy 4; Nephronophthisis 12. Last evaluated: 2024-04-12. Review status: criteria provided, single submitter. Criteria: ACMG Guidelines, 2015. Collection method: clinical testing. Allele origin: germline.

Labcorp Genetics (formerly Invitae), Labcorp
Classification: Uncertain significance for Jeune thoracic dystrophy; Nephronophthisis. Last evaluated: 2022-08-02. Review status: criteria provided, single submitter. Criteria: Invitae Variant Classification Sherloc (09022015). Collection method: clinical testing. Allele origin: germline.
Comment: This sequence change replaces isoleucine, which is neutral and non-polar, with serine, which is neutral and polar, at codon 1208 of the TTC21B protein (p.Ile1208Ser). This variant is present in population databases (rs189519760, gnomAD 0.06%). This variant has not been reported in the literature in individuals affected with TTC21B-related conditions. ClinVar contains an entry for this variant (Variation ID: 420152). Algorithms developed to predict the effect of missense changes on protein structure and function are either unavailable or do not agree on the potential impact of this missense change (SIFT: "Deleterious"; PolyPhen-2: "Probably Damaging"; Align-GVGD: "Class C0"). Experimental studies have shown that this missense change affects TTC21B function (PMID: 21258341). Algorithms developed to predict the effect of sequence changes on RNA splicing suggest that this variant may create or strengthen a splice site. In summary, the available evidence is currently insufficient to determine the role of this variant in disease. Therefore, it has been classified as a Variant of Uncertain Significance.

GeneDx
Classification: Uncertain significance. Last evaluated: 2021-05-24. Review status: criteria provided, single submitter. Criteria: GeneDx Variant Classification Process June 2021. Collection method: clinical testing. Allele origin: germline. Affected: yes.
Comment: Reported previously in an individual with Bardet-Biedl syndrome; however, a second variant was not identified in TTC21B, and this individual had two variants identified in the BBS1 gene (Davis et al., 2011).; Functional studies suggest that I1208S may result in loss of protein function (Davis et al., 2011).; In silico analysis supports that this missense variant has a deleterious effect on protein structure/function; This variant is associated with the following publications: (PMID: 21258341)

ARUP Laboratories, Molecular Genetics and Genomics, ARUP Laboratories
Classification: Uncertain significance. Last evaluated: 2019-12-19. Review status: criteria provided, single submitter. Criteria: ARUP Molecular Germline Variant Investigation Process. Collection method: clinical testing. Allele origin: germline.
Comment: The TTC21B c.3623T>G; p.Ile1208Ser variant (rs189519760) has been described in an individual with Bardet-Biedl syndrome who harbored biallelic BBS1 variants and no additional TTC21B variants (Davis 2011). In this study, the authors aimed to determine if TTC21B alleles can act as disease modifiers in patients with ciliopathy disorders. Results from in vitro analyses indicate that the p.Ile1208Ser variant may result in loss of protein function (Davis 2011). This variant is reported as a variant of uncertain significance in ClinVar (Variation ID: 420152) and is observed in the general population at an overall frequency of 0.016% (45/282498 alleles) in the Genome Aggregation Database. The isoleucine at codon 1208 is highly conserved, and computational algorithms (PolyPhen-2, SIFT) predict that this variant is deleterious. While current studies may insist that this variant contributes to the phenotype observed in certain ciliopathies, a causative role in short-rib thoracic dysplasia has not yet been observed. Due to limited information regarding this variant, its clinical significance cannot be determined with certainty. REFERENCES Davis E et al. TTC21B contributes both causal and modifying alleles across the ciliopathy spectrum. Nat Genet. 2011 Mar;43(3):189-96.

Literature cited by the submitters: PubMed 21258341 (cited by Labcorp Genetics (formerly Invitae), Labcorp).